The following is an entry in ClinVar:

NM_014611.3(MDN1):c.15233C>T (p.Ser5078Leu)

Genes: MDN1 (midasin AAA ATPase 1; minus strand), MDN1-AS1 (MDN1 antisense RNA 1; plus strand). Cytogenetic location: 6q15.
Variant type: single nucleotide variant.
Coding change: c.15233C>T on transcript NM_014611.3 (MANE Select); coding-DNA position 15233, C replaced by T.
Protein change: p.Ser5078Leu; replaces serine 5078 with leucine.
Molecular consequence: missense variant.
Genome position (GRCh38, 1-based): chr6:89,656,752, G>A on the plus strand (C>T on the coding strand, the complement: MDN1 is on the minus strand). VCF-style: chr6-89656752-G-A. GRCh37 (hg19) VCF-style: chr6-90366471-G-A.
Other names: short protein forms S5078L.
Identifiers: ClinVar variation 3042097 (VCV003042097.2), dbSNP rs115791795, ClinGen allele CA3922301.

ClinVar aggregate classification (germline): Likely benign (0 of 4 stars; one submission).

Conditions:
MDN1-related disorder. Also called: MDN1-related condition.

Allele frequency attached by ClinVar (database versions not stated): gnomAD exomes 0.00019; ExAC 0.00051; 1000 Genomes Project 0.00100; 1000 Genomes Project 30x 0.00109; gnomAD 0.00148; ESP Exome Variant Server 0.00169; TOPMed 0.00190.
gnomAD v4.1: 509 of 1,613,416 alleles (0.032%); highest among the groups gnomAD compares: African/African-American, 0.62%; 1 homozygote.

Submission:

PreventionGenetics, part of Exact Sciences
Classification: Likely benign for MDN1-related condition. Last evaluated: 2019-05-08. Review status: no assertion criteria provided. Collection method: clinical testing. Allele origin: germline.
Comment: This variant is classified as likely benign based on ACMG/AMP sequence variant interpretation guidelines (Richards et al. 2015 PMID: 25741868, with internal and published modifications).